The following is an entry in ClinVar:

ClinVar aggregate classification (germline): Pathogenic. Review status: criteria provided, single submitter (1 of 4 stars). 2 submissions from 2 submitters: Pathogenic (1). 1 of the submissions does not count toward it. Last evaluated 2026-01-16.

Conditions:
Complex neurodevelopmental disorder. Identifiers: Orphanet 528084, MedGen C5568766, MONDO:0100038.
Vissers-Bodmer syndrome. Identifiers: MedGen C5436647, MONDO:0033618, OMIM 619033.

Submissions (2):

Molecular Genetics Laboratory, Motol Hospital
Classification: Pathogenic for Vissers-Bodmer syndrome. Last evaluated: 2026-01-16. Review status: criteria provided, single submitter. Criteria: ACMG Guidelines, 2015. Collection method: clinical testing. Allele origin: de novo. Inheritance: Sporadic. Affected: yes. Observed: 1 heterozygote.
Comment: Rare variant not present in gnomAD (v4.1.0) (PM2). Recurrent splice-site variant reported as VUS in ClinVar in affected individual and with a de novo origin (VCV004075809.1). Rare LoF variants in the CNOT1 gene are associated with autosomal dominant Vissers-Bodmer syndrome (MIM:619033). To conclude, the variant c.4800+1G>A is classified as pathogenic.

Molecular Genetics Laboratory, BC Children's and BC Women's Hospitals
Classification: Uncertain significance for Complex neurodevelopmental disorder. Last evaluated: 2025-06-03. Review status: no assertion criteria provided. Criteria: ACMG Guidelines, 2015. Collection method: clinical testing. Allele origin: de novo. Affected: yes. Not counted in ClinVar's aggregate classification.

Literature cited by the submitters: PubMed 32553196 (cited by Molecular Genetics Laboratory, Motol Hospital).

NM_016284.5(CNOT1):c.4800+1G>A

Gene: CNOT1 (CCR4-NOT transcription complex subunit 1; minus strand). Cytogenetic location: 16q21.
Variant type: single nucleotide variant.
Coding change: c.4800+1G>A on transcript NM_016284.5 (MANE Select); the canonical splice donor site of the intron after coding-DNA position 4800, G replaced by A.
Molecular consequence: splice donor variant.
Genome position (GRCh38, 1-based): chr16:58,541,500, C>T on the plus strand (G>A on the coding strand, the complement: CNOT1 is on the minus strand). VCF-style: chr16-58541500-C-T. GRCh37 (hg19) VCF-style: chr16-58575404-C-T.
Other names: c.4785+1G>A (NM_001265612.2).
Identifiers: ClinVar variation 4075809 (VCV004075809.3).